The following is an entry in ClinVar:

NM_138383.3(MTSS2):c.235A>G (p.Thr79Ala)

Gene: MTSS2 (MTSS I-BAR domain containing 2; minus strand). Cytogenetic location: 16q22.1.
Variant type: single nucleotide variant.
Coding change: c.235A>G on transcript NM_138383.3 (MANE Select); coding-DNA position 235, A replaced by G.
Protein change: p.Thr79Ala; replaces threonine 79 with alanine.
Molecular consequence: missense variant.
Genome position (GRCh38, 1-based): chr16:70,680,026, T>C on the plus strand (A>G on the coding strand, the complement: MTSS2 is on the minus strand). VCF-style: chr16-70680026-T-C. GRCh37 (hg19) VCF-style: chr16-70713929-T-C.
Other names: short protein forms T79A.
Identifiers: ClinVar variation 2580834 (VCV002580834.1), dbSNP rs2053251052, ClinGen allele CA396608043.
Genomic context (GRCh38, chr16:70,680,026, plus strand): 5'-CTCACTTGGTGAACTGCCGCAGCTTGGTCTCGATGCTGCGGTGGCGCATGCACATGCGTG[T>C]GAGCGCCGAGCCGATGTCCCTCGTGGCCCCTGGCGAGGCAAGCGCGGGGTGGGAAGGGGC-3'
Protein context (NP_612392.1, residues 69-89): GATRDIGSAL[Thr79Ala]RMCMRHRSIE

ClinVar aggregate classification (germline): Uncertain significance (1 of 4 stars; one submission).

Submission:

GeneDx
Classification: Uncertain significance. Last evaluated: 2022-11-25. Review status: criteria provided, single submitter. Criteria: GeneDx Variant Classification Process June 2021. Collection method: clinical testing. Allele origin: germline. Affected: yes.
Comment: Not observed at significant frequency in large population cohorts (gnomAD); In silico analysis supports that this missense variant has a deleterious effect on protein structure/function; Has not been previously published as pathogenic or benign to our knowledge; Variants in candidate genes are classified as variants of uncertain significance in accordance with ACMG guidelines (Richards et al., 2015)